The following is an entry in ClinVar:

NM_000094.4(COL7A1):c.6279+1G>T

Gene: COL7A1 (collagen type VII alpha 1 chain; minus strand). Cytogenetic location: 3p21.31.
Variant type: single nucleotide variant.
Coding change: c.6279+1G>T on transcript NM_000094.4 (MANE Select); the canonical splice donor site of the intron after coding-DNA position 6279, G replaced by T.
Molecular consequence: splice donor variant.
Genome position (GRCh38, 1-based): chr3:48,575,063, C>A on the plus strand (G>T on the coding strand, the complement: COL7A1 is on the minus strand). VCF-style: chr3-48575063-C-A. GRCh37 (hg19) VCF-style: chr3-48612496-C-A.
Identifiers: ClinVar variation 2874485 (VCV002874485.3), dbSNP rs2530961037, ClinGen allele CA352661979.

ClinVar aggregate classification (germline): Pathogenic (1 of 4 stars; one submission).

Submission:

Labcorp Genetics (formerly Invitae), Labcorp
Classification: Pathogenic. Last evaluated: 2025-11-01. Review status: criteria provided, single submitter. Criteria: Invitae Variant Classification Sherloc (09022015). Collection method: clinical testing. Allele origin: germline.
Comment: This sequence change affects a donor splice site in intron 75 of the COL7A1 gene. It is expected to disrupt splicing. Variants that disrupt the donor or acceptor splice site typically lead to a loss of protein function (PMID: 16199547), and loss-of-function variants in COL7A1 are known to be disease-causing for autosomal recessive dystrophic epidermolysis bullosa (PMID: 16971478). However, certain variants affecting donor or acceptor splice sites in the triple helical domain of COL7A1 are expected to result in in-frame exon skipping and have been reported to cause autosomal dominant dystrophic epidermolysis bullosa (PMID: 31670143). This variant is not present in population databases (gnomAD no frequency). Disruption of this splice site has been observed in individual(s) with autosomal recessive dystrophic epidermolysis bullosa (PMID: 22266148). ClinVar contains an entry for this variant (Variation ID: 2874485). Algorithms developed to predict the effect of sequence changes on RNA splicing suggest that this variant may disrupt the consensus splice site. For these reasons, this variant has been classified as Pathogenic.

Literature cited by the submitters: PubMed 16199547; PubMed 16971478; PubMed 31670143; PubMed 22266148.